The following is an entry in ClinVar:

ClinVar aggregate classification (germline): Benign (1 of 4 stars; one submission).

Conditions:
Palmoplantar keratoderma-esophageal carcinoma syndrome (TOC). Also called: KERATOSIS PALMARIS ET PLANTARIS WITH ESOPHAGEAL CANCER; PALMOPLANTAR KERATODERMA WITH ESOPHAGEAL CANCER; Tylosis with Esophageal Cancer. Identifiers: Orphanet 2198, MedGen C1835664, MONDO:0007856, OMIM 148500.

Allele frequency attached by ClinVar (database versions not stated): gnomAD 0.00086 and 0.00084; gnomAD exomes 0.00010; 1000 Genomes Project 30x 0.00047; TOPMed 0.00117; 1000 Genomes Project 0.00060.
gnomAD v4.1: 239 of 1,214,568 alleles (0.02%); highest among the groups gnomAD compares: African/African-American, 0.32%; no homozygotes.

Submission:

Illumina Laboratory Services, Illumina
Classification: Benign for Palmoplantar keratoderma-esophageal carcinoma syndrome. Last evaluated: 2018-01-13. Review status: criteria provided, single submitter. Criteria: ICSL Variant Classification Criteria 13 December 2019. Collection method: clinical testing. Allele origin: germline.
Comment: This variant was observed in the ICSL laboratory as part of a predisposition screen in an ostensibly healthy population. It had not been previously curated by ICSL or reported in the Human Gene Mutation Database (HGMD: prior to June 1st, 2018), and was therefore a candidate for classification through an automated scoring system. Utilizing variant allele frequency, disease prevalence and penetrance estimates, and inheritance mode, an automated score was calculated to assess if this variant is too frequent to cause the disease. Based on the score and internal cut-off values, a variant classified as benign is not then subjected to further curation. The score for this variant resulted in a classification of benign for this disease.

NM_001005498.4(RHBDF2):c.*116G>A

Gene: RHBDF2 (rhomboid 5 homolog 2; minus strand). Cytogenetic location: 17q25.1.
Variant type: single nucleotide variant.
Coding change: c.*116G>A on transcript NM_001005498.4 (MANE Select); 116 bases downstream of the stop codon, G replaced by A.
Molecular consequence: 3 prime UTR variant. On other transcripts: non-coding transcript variant (3).
Genome position (GRCh38, 1-based): chr17:76,471,517, C>T on the plus strand (G>A on the coding strand, the complement: RHBDF2 is on the minus strand). VCF-style: chr17-76471517-C-T. GRCh37 (hg19) VCF-style: chr17-74467599-C-T.
Other names: c.*116G>A (NM_001376228.1, NM_001376229.1, NM_001376230.1 and 1 more transcripts).
Identifiers: ClinVar variation 325418 (VCV000325418.5), dbSNP rs553431491, ClinGen allele CA10640690.